The following is an entry in ClinVar:

ClinVar aggregate classification (germline): Pathogenic (1 of 4 stars; one submission).

Conditions:
Neurofibromatosis, type 1 (NF1). Also called: VON RECKLINGHAUSEN DISEASE; NEUROFIBROMATOSIS, TYPE I, SOMATIC; Peripheral type neurofibromatosis; Neurofibromatosis, type I. Identifiers: Orphanet 636, MedGen C0027831, MONDO:0018975, OMIM 162200. Disease mechanism: loss of function.

Submission:

Labcorp Genetics (formerly Invitae), Labcorp
Classification: Pathogenic for Neurofibromatosis, type 1. Last evaluated: 2026-01-31. Review status: criteria provided, single submitter. Criteria: Invitae Variant Classification Sherloc (09022015). Collection method: clinical testing. Allele origin: germline.
Comment: This sequence change creates a premature translational stop signal (p.Leu356Cysfs*20) in the NF1 gene. It is expected to result in an absent or disrupted protein product. Loss-of-function variants in NF1 are known to be pathogenic (PMID: 10712197, 23913538). This variant is not present in population databases (gnomAD no frequency). This variant has not been reported in the literature in individuals affected with NF1-related conditions. ClinVar contains an entry for this variant (Variation ID: 664219). For these reasons, this variant has been classified as Pathogenic.

Literature cited by the submitters: PubMed 10712197; PubMed 23913538.

NM_001042492.3(NF1):c.1066del (p.Leu356fs)

Gene: NF1 (neurofibromin 1; plus strand). Cytogenetic location: 17q11.2.
Variant type: Deletion.
Coding change: c.1066del on transcript NM_001042492.3 (MANE Select); coding-DNA position 1066, one base deleted (C; older notation c.1066delC).
Protein change: p.Leu356fs; shifts the reading frame from leucine 356.
Molecular consequence: frameshift variant.
Genome position (GRCh38, 1-based): chr17:31,201,040, C deleted; the last of 2 consecutive C bases (chr17:31,201,039-31,201,040); deleting either gives the same sequence. VCF-style (leftmost placement, unchanged base first): chr17-31201038-AC-A. GRCh37 (hg19) VCF-style: chr17-29528056-AC-A.
Other names: c.1066delC, p.Leu356Cysfs (NM_000267.4); c.1066del, p.Leu356fs (NM_001128147.3); short protein forms L356fs.
Identifiers: ClinVar variation 664219 (VCV000664219.4), dbSNP rs1597681864, ClinGen allele CA915949673.